The following is an entry in ClinVar:

ClinVar aggregate classification (germline): Uncertain significance (1 of 4 stars; one submission).

gnomAD v4.1: 2 of 1,614,154 alleles (0.00012%); highest among the groups gnomAD compares: South Asian, 0.0022%; no homozygotes.

Submission:

Labcorp Genetics (formerly Invitae), Labcorp
Classification: Uncertain significance. Last evaluated: 2024-09-21. Review status: criteria provided, single submitter. Criteria: Invitae Variant Classification Sherloc (09022015). Collection method: clinical testing. Allele origin: germline.
Comment: This sequence change replaces aspartic acid, which is acidic and polar, with asparagine, which is neutral and polar, at codon 368 of the SIAE protein (p.Asp368Asn). This variant is present in population databases (rs767264039, gnomAD 0.006%). This variant has not been reported in the literature in individuals affected with SIAE-related conditions. An algorithm developed to predict the effect of missense changes on protein structure and function (PolyPhen-2) suggests that this variant is likely to be disruptive. In summary, the available evidence is currently insufficient to determine the role of this variant in disease. Therefore, it has been classified as a Variant of Uncertain Significance.

NM_170601.5(SIAE):c.1102G>A (p.Asp368Asn)

Gene: SIAE (sialic acid acetylesterase; minus strand). Cytogenetic location: 11q24.2.
Variant type: single nucleotide variant.
Coding change: c.1102G>A on transcript NM_170601.5 (MANE Select); coding-DNA position 1102, G replaced by A.
Protein change: p.Asp368Asn; replaces aspartic acid 368 with asparagine.
Molecular consequence: missense variant.
Genome position (GRCh38, 1-based): chr11:124,639,732, C>T on the plus strand (G>A on the coding strand, the complement: SIAE is on the minus strand). VCF-style: chr11-124639732-C-T. GRCh37 (hg19) VCF-style: chr11-124509628-C-T.
Other names: c.997G>A, p.Asp333Asn (NM_001199922.2); short protein forms D333N, D368N.
Identifiers: ClinVar variation 3721256 (VCV003721256.2).
Genomic context (GRCh38, chr11:124,639,732, plus strand): 5'-CATACACTGTTCATGCAAAGCCCAAGAAGCAATCATACCTGCCAAAAGGCGAGTCTCTAT[C>T]ACAGAGATCCATAGCTACAGCCATGAAAGTATTGGGCATCTTTGGGTTGGGGACATAGCC-3'
Protein context (NP_733746.1, residues 358-378): TFMAVAMDLC[Asp368Asn]RDSPFGSIHP